The following is an entry in ClinVar:

NM_000718.4(CACNA1B):c.2899C>T (p.Arg967Trp)

Gene: CACNA1B (calcium voltage-gated channel subunit alpha1 B; plus strand). Cytogenetic location: 9q34.3.
Variant type: single nucleotide variant.
Coding change: c.2899C>T on transcript NM_000718.4 (MANE Select); coding-DNA position 2899, C replaced by T.
Protein change: p.Arg967Trp; replaces arginine 967 with tryptophan.
Molecular consequence: missense variant.
Genome position (GRCh38, 1-based): chr9:138,023,642, C>T. VCF-style: chr9-138023642-C-T. GRCh37 (hg19) VCF-style: chr9-140918094-C-T.
Other names: c.2899C>T, p.Arg967Trp (NM_001243812.2); short protein forms R967W.
Identifiers: ClinVar variation 2076238 (VCV002076238.1), dbSNP rs200418906, ClinGen allele CA201830506.

ClinVar aggregate classification (germline): Uncertain significance (1 of 4 stars; one submission).

Allele frequency attached by ClinVar (database versions not stated): gnomAD 0.00005; TOPMed 0.00005.
gnomAD v4.1: 178 of 1,403,388 alleles (0.013%); highest among the groups gnomAD compares: Non-Finnish European, 0.016%; no homozygotes.

Submission:

Labcorp Genetics (formerly Invitae), Labcorp
Classification: Uncertain significance. Last evaluated: 2022-06-24. Review status: criteria provided, single submitter. Criteria: Invitae Variant Classification Sherloc (09022015). Collection method: clinical testing. Allele origin: germline.
Comment: This sequence change replaces arginine, which is basic and polar, with tryptophan, which is neutral and slightly polar, at codon 967 of the CACNA1B protein (p.Arg967Trp). The frequency data for this variant in the population databases is considered unreliable, as metrics indicate poor data quality at this position in the gnomAD database. This variant has not been reported in the literature in individuals affected with CACNA1B-related conditions. Advanced modeling of protein sequence and biophysical properties (such as structural, functional, and spatial information, amino acid conservation, physicochemical variation, residue mobility, and thermodynamic stability) performed at Invitae indicates that this missense variant is not expected to disrupt CACNA1B protein function. In summary, the available evidence is currently insufficient to determine the role of this variant in disease. Therefore, it has been classified as a Variant of Uncertain Significance.